The following is an entry in ClinVar:

ClinVar aggregate classification (germline): Uncertain significance. Review status: criteria provided, multiple submitters, no conflicts (2 of 4 stars). 2 submissions from 2 submitters: Uncertain significance (2). Last evaluated 2025-04-27.

Conditions:
Autosomal dominant childhood-onset proximal spinal muscular atrophy without contractures. Also called: KUGELBERG-WELANDER SYNDROME, AUTOSOMAL DOMINANT; SPINAL MUSCULAR ATROPHY, JUVENILE, PROXIMAL, AUTOSOMAL DOMINANT; Spinal muscular atrophy, lower extremity-predominant 1, AD; SPINAL MUSCULAR ATROPHY, CHILDHOOD, PROXIMAL, AUTOSOMAL DOMINANT. Identifiers: Orphanet 209341, Orphanet 363447, MedGen C5780022, MONDO:0008026, OMIM 158600.
Charcot-Marie-Tooth disease axonal type 2O. Also called: CHARCOT-MARIE-TOOTH NEUROPATHY, AXONAL, TYPE 2O; CHARCOT-MARIE-TOOTH DISEASE, AXONAL, AUTOSOMAL DOMINANT, TYPE 2O; Charcot-Marie-Tooth Neuropathy Type 2O; Charcot-Marie-Tooth disease, axonal, type 20. Identifiers: Orphanet 284232, MedGen C3280220, MONDO:0013644, OMIM 614228.
Cortical dysplasia, complex, with other brain malformations 13. Also called: Intellectual disability, autosomal dominant 13. Identifiers: MedGen C3281202, MONDO:0013805, OMIM 614563.

Allele frequency attached by ClinVar (database versions not stated): gnomAD 0.00001; TOPMed 0.00001; gnomAD exomes 0.00002 and 0.00003; ESP Exome Variant Server 0.00008; ExAC 0.00001.
gnomAD v4.1: 41 of 1,614,076 alleles (0.0025%); highest among the groups gnomAD compares: East Asian, 0.0067%; no homozygotes.

Submissions (2):

Labcorp Genetics (formerly Invitae), Labcorp
Classification: Uncertain significance for Charcot-Marie-Tooth disease axonal type 2O. Last evaluated: 2025-04-27. Review status: criteria provided, single submitter. Criteria: Invitae Variant Classification Sherloc (09022015). Collection method: clinical testing. Allele origin: germline.
Comment: This sequence change replaces valine, which is neutral and non-polar, with methionine, which is neutral and non-polar, at codon 3065 of the DYNC1H1 protein (p.Val3065Met). This variant is present in population databases (rs377668381, gnomAD 0.02%). This missense change has been observed in individual(s) with hereditary motor neuropathy (PMID: 26392352). ClinVar contains an entry for this variant (Variation ID: 472564). Invitae Evidence Modeling of protein sequence and biophysical properties (such as structural, functional, and spatial information, amino acid conservation, physicochemical variation, residue mobility, and thermodynamic stability) indicates that this missense variant is expected to disrupt DYNC1H1 protein function with a positive predictive value of 95%. In summary, the available evidence is currently insufficient to determine the role of this variant in disease. Therefore, it has been classified as a Variant of Uncertain Significance.

Fulgent Genetics
Classification: Uncertain significance for Autosomal dominant childhood-onset proximal spinal muscular atrophy without contractures; Charcot-Marie-Tooth disease axonal type 2O; Cortical dysplasia, complex, with other brain malformations 13. Last evaluated: 2018-10-31. Review status: criteria provided, single submitter. Criteria: ACMG Guidelines, 2015. Collection method: clinical testing. Allele origin: unknown.

Literature cited by the submitters: PubMed 26392352 (cited by Labcorp Genetics (formerly Invitae), Labcorp).

NM_001376.5(DYNC1H1):c.9193G>A (p.Val3065Met)

Genes: DYNC1H1 (dynein cytoplasmic 1 heavy chain 1; plus strand), LOC126862060 (BRD4-independent group 4 enhancer GRCh37_chr14:102493659-102494858; plus strand). Cytogenetic location: 14q32.31.
Variant type: single nucleotide variant.
Coding change: c.9193G>A on transcript NM_001376.5 (MANE Select); coding-DNA position 9193, G replaced by A.
Protein change: p.Val3065Met; replaces valine 3065 with methionine.
Molecular consequence: missense variant.
Genome position (GRCh38, 1-based): chr14:102,027,763, G>A. VCF-style: chr14-102027763-G-A. GRCh37 (hg19) VCF-style: chr14-102494100-G-A.
Other names: short protein forms V3065M.
Identifiers: ClinVar variation 472564 (VCV000472564.10), dbSNP rs377668381, ClinGen allele CA7353177.